The following is an entry in ClinVar:

NM_003238.6(TGFB2):c.270G>C (p.Glu90Asp)

Gene: TGFB2 (transforming growth factor beta 2; plus strand). Cytogenetic location: 1q41.
Variant type: single nucleotide variant.
Coding change: c.270G>C on transcript NM_003238.6 (MANE Select); coding-DNA position 270, G replaced by C.
Protein change: p.Glu90Asp; replaces glutamic acid 90 with aspartic acid.
Molecular consequence: missense variant. On other transcripts: non-coding transcript variant (2).
Genome position (GRCh38, 1-based): chr1:218,346,971, G>C. VCF-style: chr1-218346971-G-C. GRCh37 (hg19) VCF-style: chr1-218520313-G-C.
Other names: c.270G>C, p.Glu90Asp (NM_001135599.4); short protein forms E90D.
Identifiers: ClinVar variation 4183547 (VCV004183547.1).

ClinVar aggregate classification (germline): Uncertain significance (1 of 4 stars; one submission).

Conditions:
Familial thoracic aortic aneurysm and aortic dissection (TAAD). Also called: Thoracic aortic aneurysms and dissections. Identifiers: Orphanet 91387, MedGen C4707243, MONDO:0019625.

Submission:

Ambry Genetics
Classification: Uncertain significance for Familial thoracic aortic aneurysm and aortic dissection. Last evaluated: 2025-08-31. Review status: criteria provided, single submitter. Criteria: Ambry Variant Classification Scheme 2023. Collection method: clinical testing. Allele origin: germline.
Comment: The p.E90D variant (also known as c.270G>C), located in coding exon 1 of the TGFB2 gene, results from a G to C substitution at nucleotide position 270. The glutamic acid at codon 90 is replaced by aspartic acid, an amino acid with highly similar properties. This amino acid position is conserved. In addition, this alteration is predicted to be tolerated by in silico analysis. Based on the available evidence, the clinical significance of this variant remains unclear.